The following is an entry in ClinVar:

ClinVar aggregate classification (germline): Conflicting classifications of pathogenicity. Review status: criteria provided, conflicting classifications (1 of 4 stars). 8 submissions from 8 submitters: Uncertain significance (4); Likely benign (3). 1 of the submissions does not count toward it. Last evaluated 2026-09-16.

Conditions:
RYR1-related disorder. Also called: RYR1-related disorders; RYR1-related condition. Identifiers: MedGen CN239331.
Malignant hypothermia.
Malignant hyperthermia, susceptibility to, 1 (MHS1). Also called: RYR1-Related Malignant Hyperthermia Susceptibility; Anesthesia related hyperthermia; Malignant hyperpyrexia; Fulminating hyperpyrexia; Pharmacogenic myopathy; Malignant hyperthermia suceptibility 1. Identifiers: Orphanet 423, MedGen C2930980, MONDO:0007783, OMIM 145600.

Allele frequency attached by ClinVar (database versions not stated): ESP Exome Variant Server 0.00015; 1000 Genomes Project 30x 0.00016; TOPMed 0.00019; 1000 Genomes Project 0.00020; ExAC 0.00045; gnomAD exomes 0.00049; gnomAD 0.00011.
gnomAD v4.1: 184 of 1,614,052 alleles (0.011%); highest among the groups gnomAD compares: Admixed American, 0.23%; no homozygotes.

Submissions (8):

GeneDx
Classification: Uncertain significance. Last evaluated: 2026-09-16. Review status: criteria provided, single submitter. Criteria: GeneDx Variant Classification Process June 2021. Collection method: clinical testing. Allele origin: germline.
Comment: Reported as a single heterozygous variant in a patient in published literature with exercise intolerance, elevated serum creatine kinase levels, non-specific myopathic features on biopsy histology, and myopathic EMG result (PMID: 39666917); In silico analysis supports that this missense variant has a deleterious effect on protein structure/function; This variant is associated with the following publications: (PMID: 35534676, 34621001, Silva2025[Article], 39666917)

Labcorp Genetics (formerly Invitae), Labcorp
Classification: Likely benign for RYR1-related disorder. Last evaluated: 2026-01-22. Review status: criteria provided, single submitter. Criteria: Invitae Variant Classification Sherloc (09022015). Collection method: clinical testing. Allele origin: germline.

Revvity Omics, Revvity
Classification: Uncertain significance. Last evaluated: 2024-04-22. Review status: criteria provided, single submitter. Criteria: ACMG Guidelines, 2015. Collection method: clinical testing. Allele origin: germline.

Color Diagnostics, LLC DBA Color Health
Classification: Likely benign for Malignant hyperthermia, susceptibility to, 1. Last evaluated: 2023-01-05. Review status: criteria provided, single submitter. Criteria: ACMG Guidelines, 2015. Collection method: clinical testing. Allele origin: germline.

Blueprint Genetics
Classification: Likely benign. Last evaluated: 2021-02-09. Review status: criteria provided, single submitter. Criteria: ACMG Guidelines, 2015. Collection method: clinical testing. Allele origin: germline.

Athena Diagnostics
Classification: Uncertain significance. Last evaluated: 2018-04-27. Review status: criteria provided, single submitter. Criteria: Athena Diagnostics Criteria. Collection method: clinical testing. Allele origin: germline.

Genomic Diagnostic Laboratory, Division of Genomic Diagnostics, Children's Hospital of Philadelphia
Classification: Uncertain significance for Malignant hypothermia. Last evaluated: 2015-11-20. Review status: criteria provided, single submitter. Criteria: DGD Variant Analysis Guidelines. Collection method: clinical testing. Allele origin: unknown.

Genetic Services Laboratory, University of Chicago
Classification: Likely pathogenic. Last evaluated: 2014-01-08. Review status: flagged submission. Criteria: ACMG Guidelines, 2007. Collection method: clinical testing. Allele origin: germline. Inheritance: Autosomal unknown. Affected: yes. Not counted in ClinVar's aggregate classification.
ClinVar note: Reason: Outlier claim with insufficient supporting evidence

NM_000540.3(RYR1):c.2366G>A (p.Arg789Gln)

Gene: RYR1 (ryanodine receptor 1; plus strand). Cytogenetic location: 19q13.2.
Variant type: single nucleotide variant.
Coding change: c.2366G>A on transcript NM_000540.3 (MANE Select); coding-DNA position 2366, G replaced by A.
Protein change: p.Arg789Gln; replaces arginine 789 with glutamine.
Molecular consequence: missense variant.
Genome position (GRCh38, 1-based): chr19:38,460,380, G>A. VCF-style: chr19-38460380-G-A. GRCh37 (hg19) VCF-style: chr19-38951020-G-A.
Other names: c.2366G>A, p.Arg789Gln (NM_001042723.2); short protein forms R789Q.
Identifiers: ClinVar variation 159841 (VCV000159841.32), dbSNP rs200069592, ClinGen allele CA024349.